The following is an entry in ClinVar:

ClinVar aggregate classification (germline): Pathogenic (1 of 4 stars; one submission).

Conditions:
Alzheimer disease 3 (AD3). Also called: ALZHEIMER DISEASE, FAMILIAL, 3. Identifiers: Orphanet 1020, MedGen C1843013, MONDO:0011913, OMIM 607822.
Frontotemporal dementia (FTD1). Also called: Frontotemporal lobe dementia (FLDEM); FRONTOTEMPORAL LOBAR DEGENERATION WITH TAU INCLUSIONS; FTLD WITH TAU INCLUSIONS; Dementia, frontotemporal, with or without parkinsonism; Frontotemporal Dementia with Parkinsonism-17 (FTDP-17); FRONTOTEMPORAL DEMENTIA WITH PARKINSONISM. Identifiers: Orphanet 282, MedGen C0338451, MONDO:0017276, OMIM 600274, HP:0002145.
Pick disease. Also called: PICK DISEASE OF BRAIN; DEMENTIA WITH LOBAR ATROPHY AND NEURONAL CYTOPLASMIC INCLUSIONS; LOBAR ATROPHY OF BRAIN; Pick's disease; Pick Disease of the Brain. Identifiers: Orphanet 282, MedGen C0236642, MONDO:0008243, OMIM 172700.
Acne inversa, familial, 3 (ACNINV3). Identifiers: MedGen C3151038, MONDO:0013398, OMIM 613737.

Submission:

Labcorp Genetics (formerly Invitae), Labcorp
Classification: Pathogenic for Alzheimer disease 3; Pick disease; Acne inversa, familial, 3; Frontotemporal dementia. Last evaluated: 2022-12-21. Review status: criteria provided, single submitter. Criteria: Invitae Variant Classification Sherloc (09022015). Collection method: clinical testing. Allele origin: germline.
Comment: This sequence change affects an acceptor splice site in intron 8 of the PSEN1 gene. It is expected to disrupt RNA splicing. Variants that disrupt the donor or acceptor splice site typically lead to a loss of protein function (PMID: 16199547), however the current clinical and genetic evidence is not sufficient to establish whether loss-of-function variants in PSEN1 cause disease. This variant is not present in population databases (gnomAD no frequency). Disruption of this splice site has been observed in individual(s) with clinical features of PSEN1-related conditions (PMID: 26194182, 28749476, 32579498). In at least one individual the variant was observed to be de novo. Algorithms developed to predict the effect of sequence changes on RNA splicing suggest that this variant may disrupt the consensus splice site. For these reasons, this variant has been classified as Pathogenic.

Literature cited by the submitters: PubMed 16199547; PubMed 26194182; PubMed 28749476; PubMed 32579498.

NM_000021.4(PSEN1):c.869-2A>G

Gene: PSEN1 (presenilin 1; plus strand). Cytogenetic location: 14q24.2.
Variant type: single nucleotide variant.
Coding change: c.869-2A>G on transcript NM_000021.4 (MANE Select); the canonical splice acceptor site of the intron before coding-DNA position 869, A replaced by G.
Molecular consequence: splice acceptor variant.
Genome position (GRCh38, 1-based): chr14:73,206,384, A>G. VCF-style: chr14-73206384-A-G. GRCh37 (hg19) VCF-style: chr14-73673092-A-G.
Other names: c.857-2A>G (NM_007318.3).
Identifiers: ClinVar variation 2925523 (VCV002925523.3), dbSNP rs1566650594, ClinGen allele CA390304665.